The following is an entry in ClinVar:

ClinVar aggregate classification (germline): Uncertain significance. Review status: criteria provided, multiple submitters, no conflicts (2 of 4 stars). 4 submissions from 4 submitters: Uncertain significance (4). Last evaluated 2025-10-27.

Conditions:
Inborn genetic diseases. Identifiers: MedGen C0950123, MeSH D030342.
Polycystic kidney disease, adult type (PKD1). Also called: Polycystic Kidney Disease 1, Autosomal Dominant; Polycystic kidney disease 1; Polycystic kidney disease 1, severe; POLYCYSTIC KIDNEY DISEASE 1 WITH OR WITHOUT POLYCYSTIC LIVER DISEASE; POLYCYSTIC KIDNEY DISEASE, ADULT, TYPE I; Polycystic Kidney, Autosomal Dominant. Identifiers: MedGen C3149841, MONDO:0008263, OMIM 173900.

Allele frequency attached by ClinVar (database versions not stated): gnomAD 0.00003; TOPMed 0.00006.
gnomAD v4.1: 25 of 1,575,536 alleles (0.0016%); highest among the groups gnomAD compares: East Asian, 0.012%; no homozygotes.

Submissions (4):

Mayo Clinic Laboratories, Mayo Clinic
Classification: Uncertain significance. Last evaluated: 2025-10-27. Review status: criteria provided, single submitter. Criteria: ACMG Guidelines, 2015. Collection method: clinical testing. Allele origin: germline. Observed: 2 variant alleles.
Comment: BP4

Ambry Genetics
Classification: Uncertain significance for Inborn genetic diseases. Last evaluated: 2024-11-29. Review status: criteria provided, single submitter. Criteria: Ambry Variant Classification Scheme 2023. Collection method: clinical testing. Allele origin: germline.

Fulgent Genetics
Classification: Uncertain significance for Polycystic kidney disease, adult type. Last evaluated: 2024-05-03. Review status: criteria provided, single submitter. Criteria: ACMG Guidelines, 2015. Collection method: clinical testing. Allele origin: germline.

GeneDx
Classification: Uncertain significance. Last evaluated: 2023-05-16. Review status: criteria provided, single submitter. Criteria: GeneDx Variant Classification Process June 2021. Collection method: clinical testing. Allele origin: germline. Affected: yes.
Comment: In silico analysis supports that this missense variant does not alter protein structure/function; Has not been previously published as pathogenic or benign to our knowledge

NM_001009944.3(PKD1):c.9764G>A (p.Arg3255His)

Gene: PKD1 (polycystin 1, transient receptor potential channel interacting; minus strand). Cytogenetic location: 16p13.3.
Variant type: single nucleotide variant.
Coding change: c.9764G>A on transcript NM_001009944.3 (MANE Select); coding-DNA position 9764, G replaced by A.
Protein change: p.Arg3255His; replaces arginine 3255 with histidine.
Molecular consequence: missense variant.
Genome position (GRCh38, 1-based): chr16:2,100,020, C>T on the plus strand (G>A on the coding strand, the complement: PKD1 is on the minus strand). VCF-style: chr16-2100020-C-T. GRCh37 (hg19) VCF-style: chr16-2150021-C-T.
Other names: p.Arg3255His; c.9764G>A (NM_000296.3); c.9764G>A, p.Arg3255His (NM_000296.4); short protein forms R3255H.
Identifiers: ClinVar variation 2662214 (VCV002662214.4), dbSNP rs1052458360, ClinGen allele CA276773183.